The following is an entry in ClinVar:

NM_000264.5(PTCH1):c.1224del (p.Gln409fs)

Gene: PTCH1 (patched 1; minus strand). Cytogenetic location: 9q22.32.
Variant type: Deletion.
Coding change: c.1224del on transcript NM_000264.5 (MANE Select); coding-DNA position 1224, one base deleted (T; older notation c.1224delT).
Protein change: p.Gln409fs; shifts the reading frame from glutamine 409.
Molecular consequence: frameshift variant. On other transcripts: non-coding transcript variant (1).
Genome position (GRCh38, 1-based): chr9:95,478,178, A deleted on the plus strand (T on the coding strand, the reverse complement: PTCH1 is on the minus strand). VCF-style (leftmost placement, unchanged base first): chr9-95478177-GA-G. GRCh37 (hg19) VCF-style: chr9-98240459-GA-G.
Other names: c.1026del, p.Gln343fs (NM_001083602.3); c.1221del, p.Gln408fs (NM_001083603.3); c.771del, p.Gln258fs (NM_001083604.3, NM_001083605.3, NM_001083606.3 and 1 more transcripts); c.1224del, p.Gln409fs (NM_001354918.2); short protein forms Q258fs, Q343fs, Q408fs, Q409fs.
Identifiers: ClinVar variation 2009617 (VCV002009617.4), dbSNP rs2538211802, ClinGen allele CA2580080857.
Genomic context (GRCh38, chr9:95,478,177, plus strand): 5'-CGTCCAGGGTCGTGGTGGTGAAGGAAAGCACCTTTTGAGTGGAGTTCTGTGCGACACTCT[GA>G]TGAACCACCTGTGGTCACAACAGAATGCGAAATGCCCAAATGCAATGAACACTTCCACAA-3'

ClinVar aggregate classification (germline): Pathogenic (1 of 4 stars; one submission).

Conditions:
Gorlin syndrome. Also called: Nevoid Basal Cell Carcinoma Syndrome; Basal cell nevus syndrome. Identifiers: Orphanet 377, MedGen C0004779, MONDO:0007187.

Submission:

Labcorp Genetics (formerly Invitae), Labcorp
Classification: Pathogenic for Gorlin syndrome. Last evaluated: 2022-06-23. Review status: criteria provided, single submitter. Criteria: Invitae Variant Classification Sherloc (09022015). Collection method: clinical testing. Allele origin: germline.
Comment: This sequence change creates a premature translational stop signal (p.Gln409Argfs*23) in the PTCH1 gene. It is expected to result in an absent or disrupted protein product. Loss-of-function variants in PTCH1 are known to be pathogenic (PMID: 16301862, 16419085). This variant is not present in population databases (gnomAD no frequency). This variant has not been reported in the literature in individuals affected with PTCH1-related conditions. For these reasons, this variant has been classified as Pathogenic.

Literature cited by the submitters: PubMed 16301862; PubMed 16419085.